The following is an entry in ClinVar:

ClinVar aggregate classification (germline): Pathogenic (1 of 4 stars; one submission).

Conditions:
Dilated cardiomyopathy 1DD (CMD1DD). Identifiers: Orphanet 154, MedGen C2750995, MONDO:0013168, OMIM 613172.

Submission:

Labcorp Genetics (formerly Invitae), Labcorp
Classification: Pathogenic for Dilated cardiomyopathy 1DD. Last evaluated: 2025-12-08. Review status: criteria provided, single submitter. Criteria: Invitae Variant Classification Sherloc (09022015). Collection method: clinical testing. Allele origin: germline.
Comment: This sequence change creates a premature translational stop signal (p.Leu955Trpfs*13) in the RBM20 gene. It is expected to result in an absent or disrupted protein product. Loss-of-function variants in RBM20 are known to be pathogenic (PMID: 20590677, 22004663, 38288598, 38510713, 40339755). This variant is not present in population databases (gnomAD no frequency). This variant has not been reported in the literature in individuals affected with RBM20-related conditions. ClinVar contains an entry for this variant (Variation ID: 3659842). For these reasons, this variant has been classified as Pathogenic.

Literature cited by the submitters: PubMed 20590677; PubMed 22004663; PubMed 38288598; PubMed 38510713; PubMed 40339755.

NM_001134363.3(RBM20):c.2864_2870del (p.Leu955fs)

Gene: RBM20 (RNA binding motif protein 20; plus strand). Cytogenetic location: 10q25.2.
Variant type: Deletion.
Coding change: c.2864_2870del on transcript NM_001134363.3 (MANE Select); coding-DNA positions 2864 to 2870, 7 bases deleted (TAGACCT; older notation c.2864_2870delTAGACCT).
Protein change: p.Leu955fs; shifts the reading frame from leucine 955.
Molecular consequence: frameshift variant.
Genome position (GRCh38, 1-based): chr10:110,821,483-110,821,489, TAGACCT deleted; deleting any 7 consecutive bases within chr10:110,821,481-110,821,489 gives the same sequence; the c. name uses the placement nearest the transcript's 3' end. VCF-style (leftmost placement, unchanged base first): chr10-110821480-ACTTAGAC-A. GRCh37 (hg19) VCF-style: chr10-112581238-ACTTAGAC-A.
Other names: short protein forms L955fs.
Identifiers: ClinVar variation 3659842 (VCV003659842.2).